The following is an entry in ClinVar:

NM_024782.3(NHEJ1):c.205C>A (p.Pro69Thr)

Gene: NHEJ1 (non-homologous end joining factor 1; minus strand). Cytogenetic location: 2q35.
Variant type: single nucleotide variant.
Coding change: c.205C>A on transcript NM_024782.3 (MANE Select); coding-DNA position 205, C replaced by A.
Protein change: p.Pro69Thr; replaces proline 69 with threonine.
Molecular consequence: missense variant. On other transcripts: non-coding transcript variant (1).
Genome position (GRCh38, 1-based): chr2:219,157,657, G>T on the plus strand (C>A on the coding strand, the complement: NHEJ1 is on the minus strand). VCF-style: chr2-219157657-G-T. GRCh37 (hg19) VCF-style: chr2-220022379-G-T.
Other names: c.205C>A, p.Pro69Thr (NM_001377498.1, NM_001377499.1); short protein forms P69T.
Identifiers: ClinVar variation 2000648 (VCV002000648.4), dbSNP rs2469676373, ClinGen allele CA350632657.

ClinVar aggregate classification (germline): Uncertain significance (1 of 4 stars; one submission).

Conditions:
Cernunnos-XLF deficiency (IMD124). Also called: SCID, AUTOSOMAL RECESSIVE, T CELL-NEGATIVE, B CELL-NEGATIVE, NK CELL-POSITIVE, WITH MICROCEPHALY, GROWTH RETARDATION, AND SENSITIVITY TO IONIZING RADIATION; NHEJ1 SYNDROME; Severe combined immunodeficiency with sensitivity to ionizing radiation due to NHEJ1 deficiency; SCID, autosomal recessive, T cell-negative, B cell-negative, NK cell-positive, and sensitivity to ionizing radiation due to NHEJ1 deficiency; IMMUNODEFICIENCY 124, SEVERE COMBINED. Identifiers: Orphanet 169079, MedGen C1969799, MONDO:0012650, OMIM 611291.

Submission:

Labcorp Genetics (formerly Invitae), Labcorp
Classification: Uncertain significance for Cernunnos-XLF deficiency. Last evaluated: 2022-05-29. Review status: criteria provided, single submitter. Criteria: Invitae Variant Classification Sherloc (09022015). Collection method: clinical testing. Allele origin: germline.
Comment: In summary, the available evidence is currently insufficient to determine the role of this variant in disease. Therefore, it has been classified as a Variant of Uncertain Significance. Algorithms developed to predict the effect of missense changes on protein structure and function (SIFT, PolyPhen-2, Align-GVGD) all suggest that this variant is likely to be tolerated. This variant has not been reported in the literature in individuals affected with NHEJ1-related conditions. This variant is not present in population databases (gnomAD no frequency). This sequence change replaces proline, which is neutral and non-polar, with threonine, which is neutral and polar, at codon 69 of the NHEJ1 protein (p.Pro69Thr).